The following is an entry in ClinVar:

NM_206937.2(LIG4):c.1693G>A (p.Val565Ile)

Gene: LIG4 (DNA ligase 4; minus strand). Cytogenetic location: 13q33.3.
Variant type: single nucleotide variant.
Coding change: c.1693G>A on transcript NM_206937.2 (MANE Select); coding-DNA position 1693, G replaced by A.
Protein change: p.Val565Ile; replaces valine 565 with isoleucine.
Molecular consequence: missense variant.
Genome position (GRCh38, 1-based): chr13:108,209,576, C>T on the plus strand (G>A on the coding strand, the complement: LIG4 is on the minus strand). VCF-style: chr13-108209576-C-T. GRCh37 (hg19) VCF-style: chr13-108861924-C-T.
Other names: c.1693G>A, p.Val565Ile (NM_001098268.2, NM_001352598.2, NM_001352599.2 and 6 more transcripts); c.1492G>A, p.Val498Ile (NM_001330595.2); c.1729G>A, p.Val577Ile (NM_001352604.2); short protein forms V498I, V565I, V577I.
Identifiers: ClinVar variation 2060199 (VCV002060199.3), dbSNP rs140584260, ClinGen allele CA7043638.

ClinVar aggregate classification (germline): Uncertain significance. Review status: criteria provided, multiple submitters, no conflicts (2 of 4 stars). 2 submissions from 2 submitters: Uncertain significance (2). Last evaluated 2025-10-17.

Conditions:
LIG4-related disorder. Also called: LIG4-related disorders; LIG4-related condition. Identifiers: MedGen CN239380.
DNA ligase IV deficiency. Identifiers: Orphanet 99812, MedGen C1847827, MONDO:0011686, OMIM 606593.

Allele frequency attached by ClinVar (database versions not stated): gnomAD 0.00001; ExAC 0.00002; gnomAD exomes 0.00002; TOPMed 0.00002; ESP Exome Variant Server 0.00008.
gnomAD v4.1: 36 of 1,613,934 alleles (0.0022%); highest among the groups gnomAD compares: Middle Eastern, 0.066%; no homozygotes.

Submissions (2):

PreventionGenetics, part of Exact Sciences
Classification: Uncertain significance for LIG4-related condition. Last evaluated: 2025-10-17. Review status: criteria provided, single submitter. Criteria: ACMG Guidelines, 2015. Collection method: clinical testing. Allele origin: germline.
Comment: The LIG4 c.1693G>A variant is predicted to result in the amino acid substitution p.Val565Ile. To our knowledge, this variant has not been reported in the literature. This variant is reported in 0.0062% of alleles in individuals of African descent in gnomAD. At this time, the clinical significance of this variant is uncertain due to the absence of conclusive functional and genetic evidence.

Labcorp Genetics (formerly Invitae), Labcorp
Classification: Uncertain significance for DNA ligase IV deficiency. Last evaluated: 2023-11-28. Review status: criteria provided, single submitter. Criteria: Invitae Variant Classification Sherloc (09022015). Collection method: clinical testing. Allele origin: germline.
Comment: This sequence change replaces valine, which is neutral and non-polar, with isoleucine, which is neutral and non-polar, at codon 565 of the LIG4 protein (p.Val565Ile). This variant is present in population databases (rs140584260, gnomAD 0.007%). This variant has not been reported in the literature in individuals affected with LIG4-related conditions. ClinVar contains an entry for this variant (Variation ID: 2060199). Advanced modeling of protein sequence and biophysical properties (such as structural, functional, and spatial information, amino acid conservation, physicochemical variation, residue mobility, and thermodynamic stability) has been performed at Invitae for this missense variant, however the output from this modeling did not meet the statistical confidence thresholds required to predict the impact of this variant on LIG4 protein function. In summary, the available evidence is currently insufficient to determine the role of this variant in disease. Therefore, it has been classified as a Variant of Uncertain Significance.